The following is an entry in ClinVar:

NM_174936.4(PCSK9):c.213G>A (p.Pro71=)

Gene: PCSK9 (proprotein convertase subtilisin/kexin type 9; plus strand). Cytogenetic location: 1p32.3.
Variant type: single nucleotide variant.
Coding change: c.213G>A on transcript NM_174936.4 (MANE Select); coding-DNA position 213, G replaced by A.
Protein change: p.Pro71=; no amino-acid change (proline 71 retained).
Molecular consequence: synonymous variant.
Genome position (GRCh38, 1-based): chr1:55,043,848, G>A. VCF-style: chr1-55043848-G-A. GRCh37 (hg19) VCF-style: chr1-55509521-G-A.
Identifiers: ClinVar variation 630640 (VCV000630640.15), dbSNP rs1243883156, ClinGen allele CA417957460.

ClinVar aggregate classification (germline): Likely benign. Review status: criteria provided, multiple submitters, no conflicts (2 of 4 stars). 5 submissions from 5 submitters: Likely benign (5). Last evaluated 2026-03-01.

Conditions:
Familial hypercholesterolemia. Also called: Familial hypercholesterolaemia; Familial hypercholesterolemias. Identifiers: MedGen C0020445, MONDO:0005439.
Cardiovascular phenotype. Identifiers: MedGen CN230736.
Hypercholesterolemia, autosomal dominant, 3 (FHCL3). Also called: Familial Hypercholesterolemia, Autosomal Dominant, 3; PCSK9-Related Familial Hypercholesterolemia, Autosomal Dominant; Familial hypercholesterolemia 3. Identifiers: MedGen C1863551, MONDO:0011369, OMIM 603776.

Allele frequency attached by ClinVar (database versions not stated): gnomAD 0.00001; gnomAD exomes 0.00001; TOPMed 0.00001.

Submissions (5):

CeGaT Center for Human Genetics Tuebingen
Classification: Likely benign. Last evaluated: 2026-03-01. Review status: criteria provided, single submitter. Criteria: CeGaT Center For Human Genetics Tuebingen Variant Classification Criteria Version 2. Collection method: clinical testing. Allele origin: germline. Affected: yes. Observed: 1 variant allele.
Comment: PCSK9: BP4, BP7

Labcorp Genetics (formerly Invitae), Labcorp
Classification: Likely benign for Hypercholesterolemia, autosomal dominant, 3. Last evaluated: 2025-07-09. Review status: criteria provided, single submitter. Criteria: Invitae Variant Classification Sherloc (09022015). Collection method: clinical testing. Allele origin: germline.

All of Us Research Program, National Institutes of Health
Classification: Likely benign for Hypercholesterolemia, autosomal dominant, 3. Last evaluated: 2023-11-20. Review status: criteria provided, single submitter. Criteria: ACMG Guidelines, 2015. Collection method: clinical testing. Allele origin: germline. Inheritance: Autosomal dominant inheritance. Observed: 3 variant alleles, 3 heterozygotes.
Comment: This study involves interpretation of variants in research participants for the purpose of population health screening. Participant phenotype was not available at the time of variant classification. Additional details can be found in publication PMID: 35346344, PMCID: PMC8962531

Ambry Genetics
Classification: Likely benign for Cardiovascular phenotype. Last evaluated: 2021-04-13. Review status: criteria provided, single submitter. Criteria: Ambry Variant Classification Scheme 2023. Collection method: clinical testing. Allele origin: germline.

Color Diagnostics, LLC DBA Color Health
Classification: Likely benign for Familial hypercholesterolemias. Last evaluated: 2018-07-14. Review status: criteria provided, single submitter. Criteria: ACMG Guidelines, 2015. Collection method: clinical testing. Allele origin: germline.